The following is an entry in ClinVar:

ClinVar aggregate classification (germline): Likely benign (1 of 4 stars; one submission).

Submission:

CeGaT Center for Human Genetics Tuebingen
Classification: Likely benign. Last evaluated: 2026-09-01. Review status: criteria provided, single submitter. Criteria: CeGaT Center For Human Genetics Tuebingen Variant Classification Criteria Version 2. Collection method: clinical testing. Allele origin: germline. Affected: yes. Observed: 2 variant alleles.
Comment: OR2H2: BP4, BP7

NM_007160.4(OR2H2):c.363C>T (p.Tyr121=)

Gene: OR2H2 (olfactory receptor family 2 subfamily H member 2; plus strand). Cytogenetic location: 6p22.1.
Variant type: single nucleotide variant.
Coding change: c.363C>T on transcript NM_007160.4 (MANE Select); coding-DNA position 363, C replaced by T.
Protein change: p.Tyr121=; no amino-acid change (tyrosine 121 retained).
Molecular consequence: synonymous variant.
Genome position (GRCh38, 1-based): chr6:29,588,307, C>T. VCF-style: chr6-29588307-C-T. GRCh37 (hg19) VCF-style: chr6-29556084-C-T.
Identifiers: ClinVar variation 4822116 (VCV004822116.4).
Genomic context (GRCh38, chr6:29,588,307, plus strand): 5'-CTTCCTGTCCCTGGGGACAACTGAGTGCATCCTCTTGACAGTGATGGCTTTTGATCGCTA[C>T]GTGGCTGTCTGCCAGCCCCTCCACTATGCCACCATCATCCACCCCCGCCTGTGCTGGCAG-3'
Protein context (NP_009091.3, residues 111-131): ILLTVMAFDR[Tyr121=]VAVCQPLHYA